The following is an entry in ClinVar:

NM_000019.4(ACAT1):c.527A>G (p.Glu176Gly)

Gene: ACAT1 (acetyl-CoA acetyltransferase 1; plus strand). Cytogenetic location: 11q22.3.
Variant type: single nucleotide variant.
Coding change: c.527A>G on transcript NM_000019.4 (MANE Select); coding-DNA position 527, A replaced by G.
Protein change: p.Glu176Gly; replaces glutamic acid 176 with glycine.
Molecular consequence: missense variant. On other transcripts: non-coding transcript variant (2).
Genome position (GRCh38, 1-based): chr11:108,138,989, A>G. VCF-style: chr11-108138989-A-G. GRCh37 (hg19) VCF-style: chr11-108009716-A-G.
Other names: c.527A>G, p.Glu176Gly (NM_001386677.1); c.212A>G, p.Glu71Gly (NM_001386678.1); c.230A>G, p.Glu77Gly (NM_001386679.1); c.257A>G, p.Glu86Gly (NM_001386681.1, NM_001386682.1, NM_001386685.1 and 6 more transcripts); short protein forms E176G, E71G, E77G, E86G.
Identifiers: ClinVar variation 2572549 (VCV002572549.1), dbSNP rs2496613450, ClinGen allele CA382507238.

ClinVar aggregate classification (germline): Uncertain significance (1 of 4 stars; one submission).

Conditions:
Deficiency of acetyl-CoA acetyltransferase. Also called: MITOCHONDRIAL ACETOACETYL-CoA THIOLASE DEFICIENCY; 3-KETOTHIOLASE DEFICIENCY; 3-OXOTHIOLASE DEFICIENCY; Beta-ketothiolase deficiency. Identifiers: Orphanet 134, MedGen C1536500, MONDO:0008760, OMIM 203750. Disease mechanism: loss of function.

Submission:

3billion
Classification: Uncertain significance for Deficiency of acetyl-CoA acetyltransferase. Review status: criteria provided, single submitter. Criteria: ACMG Guidelines, 2015. Collection method: clinical testing. Allele origin: unknown. Affected: yes. Observed: 1 homozygote.
Comment: The variant is not observed in the gnomAD v2.1.1 dataset. In silico tool predictions suggest damaging effect of the variant on gene or gene product (REVEL: 0.65; 3Cnet: 0.51). Therefore, this variant is classified as Uncertain significance according to the recommendation of ACMG/AMP guideline.